The following is an entry in ClinVar:

ClinVar aggregate classification (germline): Benign (1 of 4 stars; one submission).

Conditions:
Neuroblastoma (NB). Identifiers: Orphanet 635, MedGen C0027819, MeSH D009447, MONDO:0005072, HP:0003006.

Allele frequency attached by ClinVar (database versions not stated): gnomAD exomes 0.00043; 1000 Genomes Project 30x 0.00156; gnomAD 0.00197; 1000 Genomes Project 0.00200; TOPMed 0.00241.
gnomAD v4.1: 338 of 231,860 alleles (0.15%); highest among the groups gnomAD compares: African/African-American, 0.69%; 1 homozygote.

Submission:

Illumina Laboratory Services, Illumina
Classification: Benign for Neuroblastoma. Last evaluated: 2018-01-12. Review status: criteria provided, single submitter. Criteria: ICSL Variant Classification Criteria 13 December 2019. Collection method: clinical testing. Allele origin: germline.
Comment: This variant was observed in the ICSL laboratory as part of a predisposition screen in an ostensibly healthy population. It had not been previously curated by ICSL or reported in the Human Gene Mutation Database (HGMD: prior to June 1st, 2018), and was therefore a candidate for classification through an automated scoring system. Utilizing variant allele frequency, disease prevalence and penetrance estimates, and inheritance mode, an automated score was calculated to assess if this variant is too frequent to cause the disease. Based on the score and internal cut-off values, a variant classified as benign is not then subjected to further curation. The score for this variant resulted in a classification of benign for this disease.

NM_001365951.3(KIF1B):c.*2895G>A

Gene: KIF1B (kinesin family member 1B; plus strand). Cytogenetic location: 1p36.22.
Variant type: single nucleotide variant.
Coding change: c.*2895G>A on transcript NM_001365951.3 (MANE Select); 2895 bases downstream of the stop codon, G replaced by A.
Molecular consequence: 3 prime UTR variant.
Genome position (GRCh38, 1-based): chr1:10,379,482, G>A. VCF-style: chr1-10379482-G-A. GRCh37 (hg19) VCF-style: chr1-10439540-G-A.
Other names: c.*2895G>A (NM_001365952.1, NM_015074.3).
Identifiers: ClinVar variation 291635 (VCV000291635.5), dbSNP rs184232081, ClinGen allele CA10607308.
Genomic context (GRCh38, chr1:10,379,482, plus strand): 5'-GGCAGGTGCAGACAGCCTTTGCTGGTCCCCAGCACGTCCAGGGTGGGTGCTCCCTTGCCC[G>A]ACAGAACCATCCCCACTGTGAGGCTGTGAGAGATTTGTGGCAGGAACTGTTTATGAGGCT-3'